The following is an entry in ClinVar:

ClinVar aggregate classification (germline): Uncertain significance. Review status: criteria provided, multiple submitters, no conflicts (2 of 4 stars). 2 submissions from 2 submitters: Uncertain significance (2). Last evaluated 2024-04-10.

Conditions:
Familial sleep-related hypermotor epilepsy. Also called: Autosomal Dominant Sleep-Related Hypermotor (Hyperkinetic) Epilepsy. Identifiers: Orphanet 98784, MedGen C3696898, MONDO:0000030.
Autosomal dominant nocturnal frontal lobe epilepsy 1. Also called: CHRNA4-Related Nocturnal Frontal Lobe Epilepsy, Autosomal Dominant; EPILEPSY, NOCTURNAL FRONTAL LOBE, TYPE 1. Identifiers: Orphanet 98784, MedGen C1838049, MONDO:0010899, OMIM 600513.

Allele frequency attached by ClinVar (database versions not stated): TOPMed 0.00001.
gnomAD v4.1: 6 of 1,612,614 alleles (0.00037%); highest among the groups gnomAD compares: Non-Finnish European, 0.00051%; no homozygotes.

Submissions (2):

Labcorp Genetics (formerly Invitae), Labcorp
Classification: Uncertain significance. Last evaluated: 2024-04-10. Review status: criteria provided, single submitter. Criteria: Invitae Variant Classification Sherloc (09022015). Collection method: clinical testing. Allele origin: germline.
Comment: This sequence change replaces phenylalanine, which is neutral and non-polar, with leucine, which is neutral and non-polar, at codon 66 of the CHRNA4 protein (p.Phe66Leu). This variant is present in population databases (rs201018244, gnomAD 0.007%). This missense variant has been observed in individual(s) with clinical features of CHRNA4-related conditions (PMID: 26704558). ClinVar contains an entry for this variant (Variation ID: 1030888). Advanced modeling of protein sequence and biophysical properties (such as structural, functional, and spatial information, amino acid conservation, physicochemical variation, residue mobility, and thermodynamic stability) performed at Invitae indicates that this missense variant is not expected to disrupt CHRNA4 protein function with a negative predictive value of 80%. In summary, the available evidence is currently insufficient to determine the role of this variant in disease. Therefore, it has been classified as a Variant of Uncertain Significance.

Baylor Genetics
Classification: Uncertain significance for Autosomal dominant nocturnal frontal lobe epilepsy 1. Last evaluated: 2019-06-21. Review status: criteria provided, single submitter. Criteria: ACMG Guidelines, 2015. Collection method: clinical testing. Allele origin: paternal. Affected: yes.
Comment: This variant was determined to be of uncertain significance according to ACMG Guidelines, 2015 [PMID:25741868].

Literature cited by the submitters: PubMed 26704558 (cited by Labcorp Genetics (formerly Invitae), Labcorp).

NM_000744.7(CHRNA4):c.198C>A (p.Phe66Leu)

Gene: CHRNA4 (cholinergic receptor nicotinic alpha 4 subunit; minus strand). Cytogenetic location: 20q13.33.
Variant type: single nucleotide variant.
Coding change: c.198C>A on transcript NM_000744.7 (MANE Select); coding-DNA position 198, C replaced by A.
Protein change: p.Phe66Leu; replaces phenylalanine 66 with leucine.
Molecular consequence: missense variant. On other transcripts: 5 prime UTR variant (1), non-coding transcript variant (1).
Genome position (GRCh38, 1-based): chr20:63,359,578, G>T on the plus strand (C>A on the coding strand, the complement: CHRNA4 is on the minus strand). VCF-style: chr20-63359578-G-T. GRCh37 (hg19) VCF-style: chr20-61990930-G-T.
Other names: c.-349C>A (NM_001256573.2); short protein forms F66L.
Identifiers: ClinVar variation 1030888 (VCV001030888.6), dbSNP rs201018244, ClinGen allele CA317445927.